The following is an entry in ClinVar:

ClinVar aggregate classification (germline): Likely benign (0 of 4 stars; one submission).

Conditions:
MEG3-related disorder. Also called: MEG3-related condition.

Allele frequency attached by ClinVar (database versions not stated): 1000 Genomes Project 0.00120; 1000 Genomes Project 30x 0.00141; gnomAD 0.00165; TOPMed 0.00172.

Submission:

PreventionGenetics, part of Exact Sciences
Classification: Likely benign for MEG3-related condition. Last evaluated: 2023-07-31. Review status: no assertion criteria provided. Collection method: clinical testing. Allele origin: germline.
Comment: This variant is classified as likely benign based on ACMG/AMP sequence variant interpretation guidelines (Richards et al. 2015 PMID: 25741868, with internal and published modifications).

NR_046473.1(MEG3):n.5439C>T

Gene: MEG3 (maternally expressed 3; plus strand). Cytogenetic location: 14q32.2.
Variant type: single nucleotide variant.
Molecular consequence: non-coding transcript variant (on NR_046473.1).
Genome position: GRCh38 VCF-style: chr14-100850055-C-T. GRCh37 (hg19) VCF-style: chr14-101316392-C-T.
Identifiers: ClinVar variation 3041128 (VCV003041128.2), dbSNP rs188511607, ClinGen allele CA266869905.